The following is an entry in ClinVar:

ClinVar aggregate classification (germline): Uncertain significance (1 of 4 stars; one submission).

Conditions:
Long QT syndrome 1 (LQT1). Identifiers: Orphanet 101016, Orphanet 768, MedGen C4551647, MONDO:0100316, OMIM 192500, MONDO:0008646.

Submission:

3billion
Classification: Uncertain significance for Long QT syndrome 1. Last evaluated: 2025-03-05. Review status: criteria provided, single submitter. Criteria: ACMG Guidelines, 2015. Collection method: clinical testing. Allele origin: germline. Affected: yes.
Comment: The variant is not observed in the gnomAD v4.1.0 dataset. Predicted Consequence/Location: Missense variant In silico tool predictions suggest damaging effect of the variant on gene or gene product [REVEL: 0.67 (>=0.6, sensitivity 0.68 and specificity 0.92)]. Different missense changes at the same codon have been reported as of uncertain significance (ClinVar ID: VCV001772259). Therefore, this variant is classified as VUS according to the recommendation of ACMG/AMP guideline.

NM_000218.3(KCNQ1):c.1421T>C (p.Val474Ala)

Genes: KCNQ1 (potassium voltage-gated channel subfamily Q member 1; plus strand), KCNQ1OT1 (KCNQ1 opposite strand/antisense transcript 1; minus strand). Cytogenetic location: 11p15.5.
Variant type: single nucleotide variant.
Coding change: c.1421T>C on transcript NM_000218.3 (MANE Select); coding-DNA position 1421, T replaced by C.
Protein change: p.Val474Ala; replaces valine 474 with alanine.
Molecular consequence: missense variant. On other transcripts: non-coding transcript variant (1).
Genome position (GRCh38, 1-based): chr11:2,661,988, T>C. VCF-style: chr11-2661988-T-C. GRCh37 (hg19) VCF-style: chr11-2683218-T-C.
Other names: c.1325T>C, p.Val442Ala (NM_001406836.1); c.1151T>C, p.Val384Ala (NM_001406837.1); c.881T>C, p.Val294Ala (NM_001406838.1); c.1040T>C, p.Val347Ala (NM_181798.2); short protein forms V294A, V347A, V384A, V442A, V474A.
Identifiers: ClinVar variation 4293446 (VCV004293446.1).